The following is an entry in ClinVar:

NM_152564.5(VPS13B):c.8633A>G (p.Asp2878Gly)

Gene: VPS13B (vacuolar protein sorting 13 homolog B; plus strand). Cytogenetic location: 8q22.2.
Variant type: single nucleotide variant.
Coding change: c.8633A>G on transcript NM_152564.5 (MANE Select); coding-DNA position 8633, A replaced by G.
Protein change: p.Asp2878Gly; replaces aspartic acid 2878 with glycine.
Molecular consequence: missense variant.
Genome position (GRCh38, 1-based): chr8:99,819,423, A>G. VCF-style: chr8-99819423-A-G. GRCh37 (hg19) VCF-style: chr8-100831651-A-G.
Other names: c.8708A>G, p.Asp2903Gly (NM_017890.5); short protein forms D2878G, D2903G.
Identifiers: ClinVar variation 1422355 (VCV001422355.3), dbSNP rs1563490033, ClinGen allele CA371776067.

ClinVar aggregate classification (germline): Uncertain significance (1 of 4 stars; one submission).

Conditions:
Cohen syndrome (COH1). Also called: Cutis verticis gyrata, retinitis pigmentosa, and sensorineural deafness; PEPPER SYNDROME. Identifiers: Orphanet 193, MedGen C0265223, MONDO:0008999, OMIM 216550.

Allele frequency attached by ClinVar (database versions not stated): gnomAD exomes 0.00001.
gnomAD v4.1: 8 of 1,613,822 alleles (0.0005%); highest among the groups gnomAD compares: East Asian, 0.0022%; no homozygotes.

Submission:

Labcorp Genetics (formerly Invitae), Labcorp
Classification: Uncertain significance for Cohen syndrome. Last evaluated: 2021-11-16. Review status: criteria provided, single submitter. Criteria: Invitae Variant Classification Sherloc (09022015). Collection method: clinical testing. Allele origin: germline.
Comment: This sequence change replaces aspartic acid, which is acidic and polar, with glycine, which is neutral and non-polar, at codon 2903 of the VPS13B protein (p.Asp2903Gly). This variant is not present in population databases (gnomAD no frequency). This variant has not been reported in the literature in individuals affected with VPS13B-related conditions. Algorithms developed to predict the effect of missense changes on protein structure and function output the following: SIFT: "Not Available"; PolyPhen-2: "Benign"; Align-GVGD: "Not Available". The glycine amino acid residue is found in multiple mammalian species, which suggests that this missense change does not adversely affect protein function. In summary, the available evidence is currently insufficient to determine the role of this variant in disease. Therefore, it has been classified as a Variant of Uncertain Significance.